The following is an entry in ClinVar:

ClinVar aggregate classification (germline): Benign/Likely benign. Review status: criteria provided, multiple submitters, no conflicts (2 of 4 stars). 3 submissions from 3 submitters: Benign (1); Likely benign (2). Last evaluated 2026-01-01.

Conditions:
Familial cancer of breast. Also called: BREAST CANCER, FAMILIAL; Hereditary breast cancer; hereditary breast carcinoma. Identifiers: Orphanet 227535, MedGen C0346153, MONDO:0016419, OMIM 114480. Disease mechanism: loss of function.
Hereditary cancer-predisposing syndrome. Also called: Neoplastic Syndromes, Hereditary; Hereditary neoplastic syndrome; Hereditary Cancer Syndrome; Tumor predisposition. Identifiers: Orphanet 140162, MedGen C0027672, MeSH D009386, MONDO:0015356.
Ataxia-telangiectasia syndrome (AT). Also called: Ataxia-telangiectasia, complementation group D; Ataxia-telangiectasia, complementation group E; Cerebello-oculocutaneous telangiectasia; Immunodeficiency with ataxia telangiectasia; Ataxia telangiectasia (A-T); Ataxia-telangiectasia. Identifiers: Orphanet 100, MedGen C0004135, MONDO:0008840, OMIM 208900.

Submissions (3):

Labcorp Genetics (formerly Invitae), Labcorp
Classification: Likely benign for Ataxia-telangiectasia syndrome. Last evaluated: 2026-01-01. Review status: criteria provided, single submitter. Criteria: Invitae Variant Classification Sherloc (09022015). Collection method: clinical testing. Allele origin: germline.

Myriad Genetics, Inc.
Classification: Benign for Familial cancer of breast. Last evaluated: 2024-04-26. Review status: criteria provided, single submitter. Criteria: Myriad Autosomal Dominant, Autosomal Recessive and X-Linked Classification Criteria (2023). Collection method: clinical testing. Allele origin: unknown.
Comment: This variant is considered benign. This variant is a silent/synonymous amino acid change and it is not expected to impact splicing.

Ambry Genetics
Classification: Likely benign for Hereditary cancer-predisposing syndrome. Last evaluated: 2024-03-01. Review status: criteria provided, single submitter. Criteria: Ambry Variant Classification Scheme 2023. Collection method: clinical testing. Allele origin: germline.

NM_000051.4(ATM):c.1365G>A (p.Val455=)

Gene: ATM (ATM serine/threonine kinase; plus strand). Cytogenetic location: 11q22.3.
Variant type: single nucleotide variant.
Coding change: c.1365G>A on transcript NM_000051.4 (MANE Select); coding-DNA position 1365, G replaced by A.
Protein change: p.Val455=; no amino-acid change (valine 455 retained).
Molecular consequence: synonymous variant.
Genome position (GRCh38, 1-based): chr11:108,250,830, G>A. VCF-style: chr11-108250830-G-A. GRCh37 (hg19) VCF-style: chr11-108121557-G-A.
Other names: c.1365G>A (NM_000051.3); c.1365G>A, p.Val455= (NM_001351834.2).
Identifiers: ClinVar variation 1080571 (VCV001080571.11), dbSNP rs765130666, ClinGen allele CA476671946.